The following is an entry in ClinVar:

ClinVar aggregate classification (germline): Uncertain significance (1 of 4 stars; one submission).

Submission:

GeneDx
Classification: Uncertain significance. Last evaluated: 2023-01-19. Review status: criteria provided, single submitter. Criteria: GeneDx Variant Classification Process June 2021. Collection method: clinical testing. Allele origin: germline. Affected: yes.
Comment: Not observed at significant frequency in large population cohorts (gnomAD); In silico analysis supports that this missense variant has a deleterious effect on protein structure/function; Has not been previously published as pathogenic or benign to our knowledge

NM_018489.3(ASH1L):c.6706C>T (p.Arg2236Trp)

Gene: ASH1L (ASH1 like histone lysine methyltransferase; minus strand). Cytogenetic location: 1q22.
Variant type: single nucleotide variant.
Coding change: c.6706C>T on transcript NM_018489.3 (MANE Select); coding-DNA position 6706, C replaced by T.
Protein change: p.Arg2236Trp; replaces arginine 2236 with tryptophan.
Molecular consequence: missense variant.
Genome position (GRCh38, 1-based): chr1:155,360,390, G>A on the plus strand (C>T on the coding strand, the complement: ASH1L is on the minus strand). VCF-style: chr1-155360390-G-A. GRCh37 (hg19) VCF-style: chr1-155330181-G-A.
Other names: c.6721C>T, p.Arg2241Trp (NM_001366177.2); short protein forms R2236W, R2241W.
Identifiers: ClinVar variation 2573978 (VCV002573978.1), dbSNP rs2525849213, ClinGen allele CA342752553.